The following is an entry in ClinVar:

ClinVar aggregate classification (germline): Benign. Review status: criteria provided, multiple submitters, no conflicts (2 of 4 stars). 3 submissions from 3 submitters: Benign (3). Last evaluated 2026-08-01.

Allele frequency attached by ClinVar (database versions not stated): 1000 Genomes Project 30x 0.00297; 1000 Genomes Project 0.00300; gnomAD 0.00655 and 0.00662; gnomAD exomes 0.00715 and 0.00887; TOPMed 0.00723; ExAC 0.00868; ESP Exome Variant Server 0.00908.
gnomAD v4.1: 13,950 of 1,613,118 alleles (0.86%); highest among the groups gnomAD compares: Middle Eastern, 2.6%; 72 homozygotes.

Submissions (3):

CeGaT Center for Human Genetics Tuebingen
Classification: Benign. Last evaluated: 2026-08-01. Review status: criteria provided, single submitter. Criteria: CeGaT Center For Human Genetics Tuebingen Variant Classification Criteria Version 2. Collection method: clinical testing. Allele origin: germline. Affected: yes. Observed: 14 variant alleles.
Comment: MAPRE2: BP4, BP7, BS1, BS2

Labcorp Genetics (formerly Invitae), Labcorp
Classification: Benign. Last evaluated: 2019-12-31. Review status: criteria provided, single submitter. Criteria: Invitae Variant Classification Sherloc (09022015). Collection method: clinical testing. Allele origin: germline.

Breakthrough Genomics
Classification: Benign. Review status: criteria provided, single submitter. Criteria: ACMG Guidelines, 2015. Collection method: not provided. Allele origin: germline. Inheritance: Autosomal dominant inheritance. Affected: yes.

NM_014268.4(MAPRE2):c.966G>A (p.Pro322=)

Gene: MAPRE2 (microtubule associated protein RP/EB family member 2; plus strand). Cytogenetic location: 18q12.2.
Variant type: single nucleotide variant.
Coding change: c.966G>A on transcript NM_014268.4 (MANE Select); coding-DNA position 966, G replaced by A.
Protein change: p.Pro322=; no amino-acid change (proline 322 retained).
Molecular consequence: synonymous variant. On other transcripts: non-coding transcript variant (1).
Genome position (GRCh38, 1-based): chr18:35,140,351, G>A. VCF-style: chr18-35140351-G-A. GRCh37 (hg19) VCF-style: chr18-32720315-G-A.
Other names: c.837G>A, p.Pro279= (NM_001143826.3); c.930G>A, p.Pro310= (NM_001143827.3); c.807G>A, p.Pro269= (NM_001256420.2).
Identifiers: ClinVar variation 782046 (VCV000782046.27), dbSNP rs140836474, ClinGen allele CA8936283.